The following is an entry in ClinVar:

ClinVar aggregate classification (germline): Likely benign (1 of 4 stars; one submission).

Submission:

CeGaT Center for Human Genetics Tuebingen
Classification: Likely benign. Last evaluated: 2024-09-01. Review status: criteria provided, single submitter. Criteria: CeGaT Center For Human Genetics Tuebingen Variant Classification Criteria Version 2. Collection method: clinical testing. Allele origin: germline. Affected: yes. Observed: 3 variant alleles.
Comment: TGFBR2: BP4, BP7

NM_003242.6(TGFBR2):c.390T>G (p.Gly130=)

Gene: TGFBR2 (transforming growth factor beta receptor 2; plus strand). Cytogenetic location: 3p24.1.
Variant type: single nucleotide variant.
Coding change: c.390T>G on transcript NM_003242.6 (MANE Select); coding-DNA position 390, T replaced by G.
Protein change: p.Gly130=; no amino-acid change (glycine 130 retained).
Molecular consequence: synonymous variant. On other transcripts: intron variant (2).
Genome position (GRCh38, 1-based): chr3:30,650,396, T>G. VCF-style: chr3-30650396-T-G. GRCh37 (hg19) VCF-style: chr3-30691888-T-G.
Other names: c.465T>G, p.Gly155= (NM_001024847.3, NM_001407126.1, NM_001407139.1); c.390T>G, p.Gly130= (NM_001407127.1, NM_001407130.1); c.417T>G, p.Gly139= (NM_001407128.1); c.285T>G, p.Gly95= (NM_001407129.1, NM_001407132.1, NM_001407133.1 and 3 more transcripts); c.170-21242T>G (NM_001407137.1); c.95-21242T>G (NM_001407138.1).
Identifiers: ClinVar variation 2578937 (VCV002578937.25), dbSNP rs773919219, ClinGen allele CA432917448.